The following is an entry in ClinVar:

ClinVar aggregate classification (germline): Uncertain significance (1 of 4 stars; one submission).

Conditions:
Inborn genetic diseases. Identifiers: MedGen C0950123, MeSH D030342.

Submission:

Ambry Genetics
Classification: Uncertain significance for Inborn genetic diseases. Last evaluated: 2024-11-25. Review status: criteria provided, single submitter. Criteria: Ambry Variant Classification Scheme 2023. Collection method: clinical testing. Allele origin: germline.
Comment: The p.W48C variant (also known as c.144G>C), located in coding exon 1 of the SAMD9 gene, results from a G to C substitution at nucleotide position 144. The tryptophan at codon 48 is replaced by cysteine, an amino acid with highly dissimilar properties. This amino acid position is conserved. In addition, this alteration is predicted to be tolerated by in silico analysis. Based on the available evidence, the clinical significance of this variant remains unclear.

NM_017654.4(SAMD9):c.144G>C (p.Trp48Cys)

Gene: SAMD9 (sterile alpha motif domain containing 9; minus strand). Cytogenetic location: 7q21.2.
Variant type: single nucleotide variant.
Coding change: c.144G>C on transcript NM_017654.4 (MANE Select); coding-DNA position 144, G replaced by C.
Protein change: p.Trp48Cys; replaces tryptophan 48 with cysteine.
Molecular consequence: missense variant.
Genome position (GRCh38, 1-based): chr7:93,105,954, C>G on the plus strand (G>C on the coding strand, the complement: SAMD9 is on the minus strand). VCF-style: chr7-93105954-C-G. GRCh37 (hg19) VCF-style: chr7-92735267-C-G.
Other names: c.144G>C, p.Trp48Cys (NM_001193307.2); short protein forms W48C.
Identifiers: ClinVar variation 3437039 (VCV003437039.1).